The following is an entry in ClinVar:

NM_001394062.1(MACF1):c.22652C>G (p.Pro7551Arg)

Gene: MACF1 (microtubule actin crosslinking factor 1; plus strand). Cytogenetic location: 1p34.3.
Variant type: single nucleotide variant.
Coding change: c.22652C>G on transcript NM_001394062.1 (MANE Select); coding-DNA position 22652, C replaced by G.
Protein change: p.Pro7551Arg; replaces proline 7551 with arginine.
Molecular consequence: missense variant.
Genome position (GRCh38, 1-based): chr1:39,485,778, C>G. VCF-style: chr1-39485778-C-G. GRCh37 (hg19) VCF-style: chr1-39951450-C-G.
Other names: c.10532C>G, p.Pro3511Arg (NM_001397473.1); c.16277C>G, p.Pro5426Arg (NM_012090.5); short protein forms P3511R, P5426R, P7551R.
Identifiers: ClinVar variation 4535234 (VCV004535234.6).

ClinVar aggregate classification (germline): Uncertain significance (1 of 4 stars; one submission).

Submission:

CeGaT Center for Human Genetics Tuebingen
Classification: Uncertain significance. Last evaluated: 2025-11-01. Review status: criteria provided, single submitter. Criteria: CeGaT Center For Human Genetics Tuebingen Variant Classification Criteria Version 2. Collection method: clinical testing. Allele origin: germline. Affected: yes. Observed: 1 variant allele.
Comment: MACF1: PM2